The following is an entry in ClinVar:

NM_001146227.3(RPS20):c.*3G>T

Gene: RPS20 (ribosomal protein S20; minus strand). Cytogenetic location: 8q12.1.
Variant type: single nucleotide variant.
Coding change: c.*3G>T on transcript NM_001146227.3; 3 bases downstream of the stop codon, G replaced by T.
Molecular consequence: 3 prime UTR variant.
Genome position (GRCh38, 1-based): chr8:56,069,735, C>A on the plus strand (G>T on the coding strand, the complement: RPS20 is on the minus strand). VCF-style: chr8-56069735-C-A. GRCh37 (hg19) VCF-style: chr8-56982294-C-A.
Identifiers: ClinVar variation 5042349 (VCV005042349.1).

ClinVar aggregate classification (germline): Benign (1 of 4 stars; one submission).

Conditions:
Familial colorectal cancer type X. Identifiers: Orphanet 440437, MedGen C3896578, MONDO:0018604.

Submission:

Myriad Genetics, Inc.
Classification: Benign for Familial colorectal cancer type X. Last evaluated: 2026-08-05. Review status: criteria provided, single submitter. Criteria: Myriad Autosomal Dominant, Autosomal Recessive and X-Linked Classification Criteria (2023). Collection method: clinical testing. Allele origin: unknown.
Comment: This variant is considered benign. This variant occurs in the non-coding 3' untranslated region of the gene, and is not expected to impact protein function.